The following is an entry in ClinVar:

ClinVar aggregate classification (germline): Uncertain significance. Review status: criteria provided, multiple submitters, no conflicts (2 of 4 stars). 5 submissions from 5 submitters: Uncertain significance (5). Last evaluated 2026-01-13.

Conditions:
Hypertrophic cardiomyopathy 26. Also called: Cardiomyopathy, familial hypertrophic, 26. Identifiers: Orphanet 75249, MedGen C4310749, MONDO:0014883, OMIM 617047.
Distal myopathy with posterior leg and anterior hand involvement. Also called: WILLIAMS DISTAL MYOPATHY. Identifiers: Orphanet 63273, MedGen C3279722, MONDO:0013550, OMIM 614065.
Myofibrillar myopathy 5. Also called: Filaminopathy (type); FILAMINOPATHY, AUTOSOMAL DOMINANT. Identifiers: Orphanet 171445, MedGen C1836050, MONDO:0012289, OMIM 609524.
Cardiovascular phenotype. Identifiers: MedGen CN230736.

Allele frequency attached by ClinVar (database versions not stated): ExAC 0.00005; gnomAD 0.00005; TOPMed 0.00006; gnomAD exomes 0.00007; ESP Exome Variant Server 0.00025.
gnomAD v4.1: 195 of 1,549,306 alleles (0.013%); highest among the groups gnomAD compares: Non-Finnish European, 0.017%; no homozygotes.

Submissions (5):

Labcorp Genetics (formerly Invitae), Labcorp
Classification: Uncertain significance for Distal myopathy with posterior leg and anterior hand involvement; Myofibrillar myopathy 5; Hypertrophic cardiomyopathy 26. Last evaluated: 2026-01-13. Review status: criteria provided, single submitter. Criteria: Invitae Variant Classification Sherloc (09022015). Collection method: clinical testing. Allele origin: germline.
Comment: This sequence change replaces valine, which is neutral and non-polar, with methionine, which is neutral and non-polar, at codon 758 of the FLNC protein (p.Val758Met). This variant is present in population databases (rs371418145, gnomAD 0.02%), and has an allele count higher than expected for a pathogenic variant. This missense change has been observed in individual(s) with FLNC-related conditions (PMID: 36788754, 37047781). ClinVar contains an entry for this variant (Variation ID: 810185). Invitae Evidence Modeling of protein sequence and biophysical properties (such as structural, functional, and spatial information, amino acid conservation, physicochemical variation, residue mobility, and thermodynamic stability) has been performed for this missense variant. However, the output from this modeling did not meet the statistical confidence thresholds required to predict the impact of this variant on FLNC protein function. In summary, the available evidence is currently insufficient to determine the role of this variant in disease. Therefore, it has been classified as a Variant of Uncertain Significance.

Ambry Genetics
Classification: Uncertain significance for Cardiovascular phenotype. Last evaluated: 2025-02-20. Review status: criteria provided, single submitter. Criteria: Ambry Variant Classification Scheme 2023. Collection method: clinical testing. Allele origin: germline.
Comment: The p.V758M variant (also known as c.2272G>A), located in coding exon 15 of the FLNC gene, results from a G to A substitution at nucleotide position 2272. The valine at codon 758 is replaced by methionine, an amino acid with highly similar properties. This variant was reported in individuals in cardiomyopathy cohorts and a muscle weakness cohort (Janin A et al. Clin Genet, 2017 Dec;92:616-623; Lenarduzzi S et al. Mol Genet Genomic Med, 2023 May;11:e2143; Unger A et al. Int J Mol Sci, 2023 Apr;24:[ePub ahead of print]). This amino acid position is well conserved in available vertebrate species. In addition, the in silico prediction for this alteration is inconclusive. Based on the available evidence, the clinical significance of this variant remains unclear.

Revvity Omics, Revvity
Classification: Uncertain significance. Last evaluated: 2024-12-20. Review status: criteria provided, single submitter. Criteria: ACMG Guidelines, 2015. Collection method: clinical testing. Allele origin: germline.

CeGaT Center for Human Genetics Tuebingen
Classification: Uncertain significance. Last evaluated: 2022-10-01. Review status: criteria provided, single submitter. Criteria: CeGaT Center For Human Genetics Tuebingen Variant Classification Criteria Version 2. Collection method: clinical testing. Allele origin: germline. Affected: yes. Observed: 2 variant alleles.

GeneDx
Classification: Uncertain significance. Last evaluated: 2022-08-24. Review status: criteria provided, single submitter. Criteria: GeneDx Variant Classification Process June 2021. Collection method: clinical testing. Allele origin: germline. Affected: yes.
Comment: Has not been previously published as pathogenic or benign to our knowledge; In silico analysis supports that this missense variant has a deleterious effect on protein structure/function; This variant is associated with the following publications: (PMID: 37047781, 36788754)

Literature cited by the submitters: PubMed 36788754 (cited by Labcorp Genetics (formerly Invitae), Labcorp and Ambry Genetics); PubMed 37047781 (cited by Labcorp Genetics (formerly Invitae), Labcorp and Ambry Genetics); PubMed 28436997 (cited by Ambry Genetics).

NM_001458.5(FLNC):c.2272G>A (p.Val758Met)

Gene: FLNC (filamin C; plus strand). Cytogenetic location: 7q32.1.
Variant type: single nucleotide variant.
Coding change: c.2272G>A on transcript NM_001458.5 (MANE Select); coding-DNA position 2272, G replaced by A.
Protein change: p.Val758Met; replaces valine 758 with methionine.
Molecular consequence: missense variant.
Genome position (GRCh38, 1-based): chr7:128,842,581, G>A. VCF-style: chr7-128842581-G-A. GRCh37 (hg19) VCF-style: chr7-128482635-G-A.
Other names: c.2272G>A, p.Val758Met (NM_001127487.2); short protein forms V758M.
Identifiers: ClinVar variation 810185 (VCV000810185.57), dbSNP rs371418145, ClinGen allele CA4474677.
Genomic context (GRCh38, chr7:128,842,581, plus strand): 5'-AGGAGGATGAGCCTTGAGGGAGGGCACCACGCTGAGCTGCGACCCCTCCCGCAGGTGAAC[G>A]TGGGCGAGGGCAGCCACCCCGAGCGGGTAAAGGTGTACGGCCCCGGAGTGGAGAAGACAG-3'
Protein context (NP_001449.3, residues 748-768): NVPKSPFRVN[Val758Met]GEGSHPERVK